The following is an entry in ClinVar:

NM_001128840.3(CACNA1D):c.2647A>G (p.Ile883Val)

Gene: CACNA1D (calcium voltage-gated channel subunit alpha1 D; plus strand). Cytogenetic location: 3p21.1.
Variant type: single nucleotide variant.
Coding change: c.2647A>G on transcript NM_001128840.3 (MANE Select); coding-DNA position 2647, A replaced by G.
Protein change: p.Ile883Val; replaces isoleucine 883 with valine.
Molecular consequence: missense variant.
Genome position (GRCh38, 1-based): chr3:53,735,399, A>G. VCF-style: chr3-53735399-A-G. GRCh37 (hg19) VCF-style: chr3-53769426-A-G.
Other names: c.2707A>G, p.Ile903Val (NM_000720.4); c.2647A>G, p.Ile883Val (NM_001128839.3); short protein forms I883V, I903V.
Identifiers: ClinVar variation 2984916 (VCV002984916.3), dbSNP rs925959837, ClinGen allele CA74855599.

ClinVar aggregate classification (germline): Uncertain significance (1 of 4 stars; one submission).

Allele frequency attached by ClinVar (database versions not stated): TOPMed below 0.00001; gnomAD 0.00001; gnomAD exomes 0.00001.
gnomAD v4.1: 15 of 1,613,816 alleles (0.00093%); highest among the groups gnomAD compares: Middle Eastern, 0.016%; no homozygotes.

Submission:

Labcorp Genetics (formerly Invitae), Labcorp
Classification: Uncertain significance. Last evaluated: 2023-08-23. Review status: criteria provided, single submitter. Criteria: Invitae Variant Classification Sherloc (09022015). Collection method: clinical testing. Allele origin: germline.
Comment: This variant is not present in population databases (gnomAD no frequency). In summary, the available evidence is currently insufficient to determine the role of this variant in disease. Therefore, it has been classified as a Variant of Uncertain Significance. Advanced modeling of protein sequence and biophysical properties (such as structural, functional, and spatial information, amino acid conservation, physicochemical variation, residue mobility, and thermodynamic stability) performed at Invitae indicates that this missense variant is not expected to disrupt CACNA1D protein function. This variant has not been reported in the literature in individuals affected with CACNA1D-related conditions. This sequence change replaces isoleucine, which is neutral and non-polar, with valine, which is neutral and non-polar, at codon 903 of the CACNA1D protein (p.Ile903Val).